The following is an entry in ClinVar:

ClinVar aggregate classification (germline): Uncertain significance (1 of 4 stars; one submission).

gnomAD v4.1: 18 of 1,610,826 alleles (0.0011%); highest among the groups gnomAD compares: African/African-American, 0.0013%; no homozygotes.

Submission:

ARUP Laboratories, Molecular Genetics and Genomics, ARUP Laboratories
Classification: Uncertain significance. Last evaluated: 2024-01-24. Review status: criteria provided, single submitter. Criteria: ARUP Molecular Germline Variant Investigation Process 2024. Collection method: clinical testing. Allele origin: germline.
Comment: The NOTCH3 c.5243G>A; p.Arg1748His variant (rs769483312), to our knowledge, is not reported in the medical literature or gene-specific databases. This variant is observed in the general population with an overall allele frequency of 0.002% (5/280496 alleles) in the Genome Aggregation Database (v2.1.1). Computational analyses predict that this variant is deleterious (REVEL: 0.806). Most pathogenic NOTCH3 variants occur in exons 2-24 and either create or destroy a cysteine residue within an EGF-like domain (Rutten 2014). However, there are several amino acid substitutions not involving cysteine that may be disease-associated (Muino 2017). Although the p.Arg1748His variant does not occur within this critical region or involve a cysteine residue, due to its low population frequency, its clinical significance is uncertain. References: Muino E et al. Systematic Review of Cysteine-Sparing NOTCH3 Missense Mutations in Patients with Clinical Suspicion of CADASIL. Int J Mol Sci. 2017 Sep 13;18(9). pii: E1964. PMID: 28902129. Rutten JW et al. Interpretation of NOTCH3 mutations in the diagnosis of CADASIL. Expert Rev Mol Diagn. 2014 Jun;14(5):593-603. PMID: 24844136.

NM_000435.3(NOTCH3):c.5243G>A (p.Arg1748His)

Gene: NOTCH3 (notch receptor 3; minus strand). Cytogenetic location: 19p13.12.
Variant type: single nucleotide variant.
Coding change: c.5243G>A on transcript NM_000435.3 (MANE Select); coding-DNA position 5243, G replaced by A.
Protein change: p.Arg1748His; replaces arginine 1748 with histidine.
Molecular consequence: missense variant.
Genome position (GRCh38, 1-based): chr19:15,167,368, C>T on the plus strand (G>A on the coding strand, the complement: NOTCH3 is on the minus strand). VCF-style: chr19-15167368-C-T. GRCh37 (hg19) VCF-style: chr19-15278179-C-T.
Other names: short protein forms R1748H.
Identifiers: ClinVar variation 3767030 (VCV003767030.1).